The following is an entry in ClinVar:

NM_001232.4(CASQ2):c.1051G>A (p.Asp351Asn)

Gene: CASQ2 (calsequestrin 2; minus strand). Cytogenetic location: 1p13.1.
Variant type: single nucleotide variant.
Coding change: c.1051G>A on transcript NM_001232.4 (MANE Select); coding-DNA position 1051, G replaced by A.
Protein change: p.Asp351Asn; replaces aspartic acid 351 with asparagine.
Molecular consequence: missense variant.
Genome position (GRCh38, 1-based): chr1:115,701,390, C>T on the plus strand (G>A on the coding strand, the complement: CASQ2 is on the minus strand). VCF-style: chr1-115701390-C-T. GRCh37 (hg19) VCF-style: chr1-116244011-C-T.
Other names: short protein forms D351N.
Identifiers: ClinVar variation 2397657 (VCV002397657.3), dbSNP rs267597944, ClinGen allele CA1023623.

ClinVar aggregate classification (germline): Uncertain significance. Review status: criteria provided, multiple submitters, no conflicts (2 of 4 stars). 2 submissions from 2 submitters: Uncertain significance (2). Last evaluated 2025-06-29.

Conditions:
Cardiovascular phenotype. Identifiers: MedGen CN230736.
Catecholaminergic polymorphic ventricular tachycardia 1. Also called: VENTRICULAR TACHYCARDIA, CATECHOLAMINERGIC POLYMORPHIC, 1, WITH OR WITHOUT ATRIAL DYSFUNCTION AND/OR DILATED CARDIOMYOPATHY; VENTRICULAR TACHYCARDIA, STRESS-INDUCED POLYMORPHIC 1; RYR2-Related Catecholaminergic Polymorphic Ventricular Tachycardia. Identifiers: Orphanet 3286, MedGen C1631597, MONDO:0011484, OMIM 604772.

Allele frequency attached by ClinVar (database versions not stated): TOPMed below 0.00001; gnomAD 0.00001; ExAC 0.00002.
gnomAD v4.1: 29 of 1,613,782 alleles (0.0018%); highest among the groups gnomAD compares: Non-Finnish European, 0.0023%; no homozygotes.

Submissions (2):

Labcorp Genetics (formerly Invitae), Labcorp
Classification: Uncertain significance for Catecholaminergic polymorphic ventricular tachycardia 1. Last evaluated: 2025-06-29. Review status: criteria provided, single submitter. Criteria: Invitae Variant Classification Sherloc (09022015). Collection method: clinical testing. Allele origin: germline.
Comment: This sequence change replaces aspartic acid, which is acidic and polar, with asparagine, which is neutral and polar, at codon 351 of the CASQ2 protein (p.Asp351Asn). This variant is present in population databases (rs267597944, gnomAD 0.003%). This variant has not been reported in the literature in individuals affected with CASQ2-related conditions. ClinVar contains an entry for this variant (Variation ID: 2397657). Invitae Evidence Modeling of protein sequence and biophysical properties (such as structural, functional, and spatial information, amino acid conservation, physicochemical variation, residue mobility, and thermodynamic stability) indicates that this missense variant is not expected to disrupt CASQ2 protein function with a negative predictive value of 95%. In summary, the available evidence is currently insufficient to determine the role of this variant in disease. Therefore, it has been classified as a Variant of Uncertain Significance.

Ambry Genetics
Classification: Uncertain significance for Cardiovascular phenotype. Last evaluated: 2021-09-16. Review status: criteria provided, single submitter. Criteria: Ambry Variant Classification Scheme 2023. Collection method: clinical testing. Allele origin: germline.